The following is an entry in ClinVar:

ClinVar aggregate classification (germline): Conflicting classifications of pathogenicity. Review status: criteria provided, conflicting classifications (1 of 4 stars). 2 submissions from 2 submitters: Uncertain significance (1); Likely benign (1). Last evaluated 2025-09-17.

Conditions:
Primary ciliary dyskinesia. Also called: Ciliary dyskinesia. Identifiers: Orphanet 244, MedGen C0008780, MONDO:0016575, HP:0012265.

Allele frequency attached by ClinVar (database versions not stated): gnomAD exomes below 0.00001; TOPMed below 0.00001; gnomAD 0.00001.
gnomAD v4.1: 3 of 1,609,752 alleles (0.00019%); highest among the groups gnomAD compares: Non-Finnish European, 0.00025%; no homozygotes.

Submissions (2):

Ambry Genetics
Classification: Uncertain significance for Primary ciliary dyskinesia. Last evaluated: 2025-09-17. Review status: criteria provided, single submitter. Criteria: Ambry Variant Classification Scheme 2023. Collection method: clinical testing. Allele origin: germline.
Comment: The p.N2817T variant (also known as c.8450A>C), located in coding exon 51 of the DNAH11 gene, results from an A to C substitution at nucleotide position 8450. The asparagine at codon 2817 is replaced by threonine, an amino acid with similar properties. This amino acid position is conserved. In addition, this alteration is predicted to be tolerated by in silico analysis. Based on the available evidence, the clinical significance of this variant remains unclear.

Labcorp Genetics (formerly Invitae), Labcorp
Classification: Likely benign for Primary ciliary dyskinesia. Last evaluated: 2024-02-29. Review status: criteria provided, single submitter. Criteria: Invitae Variant Classification Sherloc (09022015). Collection method: clinical testing. Allele origin: germline.

NM_001277115.2(DNAH11):c.8450A>C (p.Asn2817Thr)

Gene: DNAH11 (dynein axonemal heavy chain 11; plus strand). Cytogenetic location: 7p15.3.
Variant type: single nucleotide variant.
Coding change: c.8450A>C on transcript NM_001277115.2 (MANE Select); coding-DNA position 8450, A replaced by C.
Protein change: p.Asn2817Thr; replaces asparagine 2817 with threonine.
Molecular consequence: missense variant.
Genome position (GRCh38, 1-based): chr7:21,745,003, A>C. VCF-style: chr7-21745003-A-C. GRCh37 (hg19) VCF-style: chr7-21784621-A-C.
Other names: c.8450A>C (NM_001277115.1); c.8471A>C, p.Asn2824Thr (NM_003777.3); short protein forms N2817T, N2824T.
Identifiers: ClinVar variation 2754933 (VCV002754933.3), dbSNP rs1315440559, ClinGen allele CA366954231.